The following is an entry in ClinVar:

ClinVar aggregate classification (germline): Conflicting classifications of pathogenicity. Review status: criteria provided, conflicting classifications (1 of 4 stars). 4 submissions from 4 submitters: Uncertain significance (2); Likely benign (2). Last evaluated 2025-11-08.

Conditions:
Inborn genetic diseases. Identifiers: MedGen C0950123, MeSH D030342.
Intellectual developmental disorder, X-linked 93. Also called: Intellectual disability, X-linked 93; MENTAL RETARDATION, X-LINKED, WITH MACROCEPHALY. Identifiers: MedGen C1970841, MONDO:0010393, OMIM 300659.

Allele frequency attached by ClinVar (database versions not stated): TOPMed 0.00007.
gnomAD v4.1: 76 of 1,195,469 alleles (0.0064%); highest among the groups gnomAD compares: Non-Finnish European, 0.0081%; no homozygotes.

Submissions (4):

Labcorp Genetics (formerly Invitae), Labcorp
Classification: Likely benign. Last evaluated: 2025-11-08. Review status: criteria provided, single submitter. Criteria: Invitae Variant Classification Sherloc (09022015). Collection method: clinical testing. Allele origin: germline.

CeGaT Center for Human Genetics Tuebingen
Classification: Likely benign. Last evaluated: 2025-10-01. Review status: criteria provided, single submitter. Criteria: CeGaT Center For Human Genetics Tuebingen Variant Classification Criteria Version 2. Collection method: clinical testing. Allele origin: germline. Affected: yes. Observed: 1 variant allele.
Comment: BRWD3: PP2, BS2

Ambry Genetics
Classification: Uncertain significance for Inborn genetic diseases. Last evaluated: 2025-07-15. Review status: criteria provided, single submitter. Criteria: Ambry Variant Classification Scheme 2023. Collection method: clinical testing. Allele origin: germline.

Illumina Laboratory Services, Illumina
Classification: Uncertain significance for Intellectual developmental disorder, X-linked 93. Last evaluated: 2018-01-12. Review status: criteria provided, single submitter. Criteria: ICSL Variant Classification Criteria 13 December 2019. Collection method: clinical testing. Allele origin: germline.

NM_153252.5(BRWD3):c.1384T>C (p.Ser462Pro)

Gene: BRWD3 (bromodomain and WD repeat domain containing 3; minus strand). Cytogenetic location: Xq21.1.
Variant type: single nucleotide variant.
Coding change: c.1384T>C on transcript NM_153252.5 (MANE Select); coding-DNA position 1384, T replaced by C.
Protein change: p.Ser462Pro; replaces serine 462 with proline.
Molecular consequence: missense variant.
Genome position (GRCh38, 1-based): chrX:80,728,754, A>G on the plus strand (T>C on the coding strand, the complement: BRWD3 is on the minus strand). VCF-style: chrX-80728754-A-G. GRCh37 (hg19) VCF-style: chrX-79984253-A-G.
Other names: short protein forms S462P.
Identifiers: ClinVar variation 912797 (VCV000912797.16), dbSNP rs202197853, ClinGen allele CA10462195.
Genomic context (GRCh38, chrX:80,728,754, plus strand): 5'-TGTCTTAAAATAATGTGCTTTTTGACCATTTTAATTACTCTAAAAATAAAATACTTACAG[A>G]TAATGTATGAAGAAGCTGTCCTGTGATAGAATTCCACACTTTCAAAAGAAAATTGTTCAC-3'
Protein context (NP_694984.5, residues 452-472): SITGQLLHTL[Ser462Pro]GHDDEVFVLE